The following is an entry in ClinVar:

NM_001145358.2(SIN3A):c.301A>C (p.Ser101Arg)

Gene: SIN3A (SIN3 transcription regulator family member A; minus strand). Cytogenetic location: 15q24.2.
Variant type: single nucleotide variant.
Coding change: c.301A>C on transcript NM_001145358.2 (MANE Select); coding-DNA position 301, A replaced by C.
Protein change: p.Ser101Arg; replaces serine 101 with arginine.
Molecular consequence: missense variant.
Genome position (GRCh38, 1-based): chr15:75,422,712, T>G on the plus strand (A>C on the coding strand, the complement: SIN3A is on the minus strand). VCF-style: chr15-75422712-T-G. GRCh37 (hg19) VCF-style: chr15-75715053-T-G.
Other names: c.301A>C, p.Ser101Arg (NM_001145357.2, NM_001437462.1, NM_001437463.1 and 1 more transcripts); short protein forms S101R.
Identifiers: ClinVar variation 4527684 (VCV004527684.1).

ClinVar aggregate classification (germline): Uncertain significance (1 of 4 stars; one submission).

Submission:

GeneDx
Classification: Uncertain significance. Last evaluated: 2025-04-24. Review status: criteria provided, single submitter. Criteria: GeneDx Variant Classification Process June 2021. Collection method: clinical testing. Allele origin: germline. Affected: yes.
Comment: Not observed at significant frequency in large population cohorts (gnomAD); In silico analysis supports that this missense variant has a deleterious effect on protein structure/function; Has not been previously published as pathogenic or benign to our knowledge